The following is an entry in ClinVar:

NM_030912.3(TRIM8):c.1288G>A (p.Gly430Ser)

Gene: TRIM8 (tripartite motif containing 8; plus strand). Cytogenetic location: 10q24.32.
Variant type: single nucleotide variant.
Coding change: c.1288G>A on transcript NM_030912.3 (MANE Select); coding-DNA position 1288, G replaced by A.
Protein change: p.Gly430Ser; replaces glycine 430 with serine.
Molecular consequence: missense variant. On other transcripts: non-coding transcript variant (1).
Genome position (GRCh38, 1-based): chr10:102,656,986, G>A. VCF-style: chr10-102656986-G-A. GRCh37 (hg19) VCF-style: chr10-104416743-G-A.
Other names: c.1288G>A (NM_030912.2); c.1192G>A, p.Gly398Ser (NM_001345950.1); short protein forms G430S, G398S.
Identifiers: ClinVar variation 2716268 (VCV002716268.4), dbSNP rs772225530, ClinGen allele CA5668294.
Genomic context (GRCh38, chr10:102,656,986, plus strand): 5'-GGCCAGTCTGGGCAGCCCCTGGGGCCCTGCAGCTCCACGCAGCACTTGGTGGCCCTGCCG[G>A]GCGGCGCCCAACCAGTGCACTCAAGCCCCGTGTTCCCCCCATCGCAGTATCCCAATGGCT-3'
Protein context (NP_112174.2, residues 420-440): SSTQHLVALP[Gly430Ser]GAQPVHSSPV

ClinVar aggregate classification (germline): Uncertain significance. Review status: criteria provided, multiple submitters, no conflicts (2 of 4 stars). 2 submissions from 2 submitters: Uncertain significance (2). Last evaluated 2025-08-08.

Conditions:
Inborn genetic diseases. Identifiers: MedGen C0950123, MeSH D030342.

Allele frequency attached by ClinVar (database versions not stated): ExAC 0.00003; gnomAD exomes 0.00001.

Submissions (2):

Ambry Genetics
Classification: Uncertain significance for Inborn genetic diseases. Last evaluated: 2025-08-08. Review status: criteria provided, single submitter. Criteria: Ambry Variant Classification Scheme 2023. Collection method: clinical testing. Allele origin: germline.

Labcorp Genetics (formerly Invitae), Labcorp
Classification: Uncertain significance. Last evaluated: 2023-10-28. Review status: criteria provided, single submitter. Criteria: Invitae Variant Classification Sherloc (09022015). Collection method: clinical testing. Allele origin: germline.
Comment: This sequence change replaces glycine, which is neutral and non-polar, with serine, which is neutral and polar, at codon 430 of the TRIM8 protein (p.Gly430Ser). This variant is present in population databases (rs772225530, gnomAD 0.02%). This variant has not been reported in the literature in individuals affected with TRIM8-related conditions. An algorithm developed to predict the effect of missense changes on protein structure and function (PolyPhen-2) suggests that this variant is likely to be tolerated. In summary, the available evidence is currently insufficient to determine the role of this variant in disease. Therefore, it has been classified as a Variant of Uncertain Significance.